The following is an entry in ClinVar:

ClinVar aggregate classification (germline): Uncertain significance (1 of 4 stars; one submission).

Conditions:
Combined oxidative phosphorylation defect type 14. Also called: Combined oxidative phosphorylation deficiency 14. Identifiers: Orphanet 319519, MedGen C4755312, MONDO:0013986, OMIM 614946.

Allele frequency attached by ClinVar (database versions not stated): TOPMed 0.00002; ExAC 0.00002; gnomAD exomes 0.00001; gnomAD 0.00002.
gnomAD v4.1: 3 of 1,614,004 alleles (0.00019%); highest among the groups gnomAD compares: African/African-American, 0.004%; no homozygotes.

Submission:

Labcorp Genetics (formerly Invitae), Labcorp
Classification: Uncertain significance for Combined oxidative phosphorylation defect type 14. Last evaluated: 2025-12-01. Review status: criteria provided, single submitter. Criteria: Invitae Variant Classification Sherloc (09022015). Collection method: clinical testing. Allele origin: germline.
Comment: This sequence change replaces tryptophan, which is neutral and slightly polar, with glycine, which is neutral and non-polar, at codon 87 of the FARS2 protein (p.Trp87Gly). This variant is present in population databases (rs773187294, gnomAD 0.01%). This variant has not been reported in the literature in individuals affected with FARS2-related conditions. ClinVar contains an entry for this variant (Variation ID: 1511826). Invitae Evidence Modeling of protein sequence and biophysical properties (such as structural, functional, and spatial information, amino acid conservation, physicochemical variation, residue mobility, and thermodynamic stability) has been performed for this missense variant. However, the output from this modeling did not meet the statistical confidence thresholds required to predict the impact of this variant on FARS2 protein function. In summary, the available evidence is currently insufficient to determine the role of this variant in disease. Therefore, it has been classified as a Variant of Uncertain Significance.

NM_006567.5(FARS2):c.259T>G (p.Trp87Gly)

Genes: FARS2 (phenylalanyl-tRNA synthetase 2, mitochondrial; plus strand), LOC126859565 (CDK7 strongly-dependent group 2 enhancer GRCh37_chr6:5368745-5369944; plus strand). Cytogenetic location: 6p25.1.
Variant type: single nucleotide variant.
Coding change: c.259T>G on transcript NM_006567.5 (MANE Select); coding-DNA position 259, T replaced by G.
Protein change: p.Trp87Gly; replaces tryptophan 87 with glycine.
Molecular consequence: missense variant. On other transcripts: intron variant (2).
Genome position (GRCh38, 1-based): chr6:5,368,829, T>G. VCF-style: chr6-5368829-T-G. GRCh37 (hg19) VCF-style: chr6-5369062-T-G.
Other names: c.259T>G, p.Trp87Gly (NM_001318872.2, NM_001374875.1, NM_001374876.1 and 5 more transcripts); c.-340-27804T>G (NM_001375260.1); c.-84-35713T>G (NM_001375259.1); short protein forms W87G.
Identifiers: ClinVar variation 1511826 (VCV001511826.5), dbSNP rs773187294, ClinGen allele CA3623615.